The following is an entry in ClinVar:

NM_004544.4(NDUFA10):c.1036G>A (p.Glu346Lys)

Gene: NDUFA10 (NADH:ubiquinone oxidoreductase subunit A10; minus strand). Cytogenetic location: 2q37.3.
Variant type: single nucleotide variant.
Coding change: c.1036G>A on transcript NM_004544.4 (MANE Select); coding-DNA position 1036, G replaced by A.
Protein change: p.Glu346Lys; replaces glutamic acid 346 with lysine.
Molecular consequence: missense variant. On other transcripts: synonymous variant (1), non-coding transcript variant (3).
Genome position (GRCh38, 1-based): chr2:239,961,150, C>T on the plus strand (G>A on the coding strand, the complement: NDUFA10 is on the minus strand). VCF-style: chr2-239961150-C-T. GRCh37 (hg19) VCF-style: chr2-240900567-C-T.
Other names: c.927G>A, p.Pro309= (NM_001322020.2); short protein forms E346K.
Identifiers: ClinVar variation 4881915 (VCV004881915.2).

ClinVar aggregate classification (germline): Uncertain significance (1 of 4 stars; one submission).

gnomAD v4.1: 81 of 1,614,156 alleles (0.005%); highest among the groups gnomAD compares: Admixed American, 0.027%; no homozygotes.

Submission:

Dasa
Classification: Uncertain significance. Last evaluated: 2024-11-19. Review status: criteria provided, single submitter. Criteria: DASA Assertion Criteria. Collection method: clinical testing. Allele origin: germline.
Comment: NM_004544.4(NDUFA10):c.1036G>A (p.Glu346Lys) is a missense variant that results in the substitution of glutamic acid with lysine. This variant is rare in population databases. Computational prediction algorithms are consistent with a benign effect. The currently available literature and clinical evidence are not sufficient to establish a definitive association between this variant and the reported condition. Therefore, this variant is classified as a variant of uncertain significance.